The following is an entry in ClinVar:

ClinVar aggregate classification (germline): Uncertain significance. Review status: criteria provided, multiple submitters, no conflicts (2 of 4 stars). 2 submissions from 2 submitters: Uncertain significance (2). Last evaluated 2025-08-03.

Conditions:
Inborn genetic diseases. Identifiers: MedGen C0950123, MeSH D030342.

Allele frequency attached by ClinVar (database versions not stated): TOPMed 0.00002; gnomAD exomes 0.00003 and 0.00010; ExAC 0.00012.
gnomAD v4.1: 40 of 1,612,552 alleles (0.0025%); highest among the groups gnomAD compares: Admixed American, 0.042%; no homozygotes.

Submissions (2):

Ambry Genetics
Classification: Uncertain significance for Inborn genetic diseases. Last evaluated: 2025-08-03. Review status: criteria provided, single submitter. Criteria: Ambry Variant Classification Scheme 2023. Collection method: clinical testing. Allele origin: germline.

Labcorp Genetics (formerly Invitae), Labcorp
Classification: Uncertain significance. Last evaluated: 2022-09-27. Review status: criteria provided, single submitter. Criteria: Invitae Variant Classification Sherloc (09022015). Collection method: clinical testing. Allele origin: germline.
Comment: This sequence change replaces arginine, which is basic and polar, with cysteine, which is neutral and slightly polar, at codon 95 of the SCO2 protein (p.Arg95Cys). This variant is present in population databases (rs748973032, gnomAD 0.07%). This variant has not been reported in the literature in individuals affected with SCO2-related conditions. ClinVar contains an entry for this variant (Variation ID: 1477832). Advanced modeling of protein sequence and biophysical properties (such as structural, functional, and spatial information, amino acid conservation, physicochemical variation, residue mobility, and thermodynamic stability) performed at Invitae indicates that this missense variant is expected to disrupt SCO2 protein function. In summary, the available evidence is currently insufficient to determine the role of this variant in disease. Therefore, it has been classified as a Variant of Uncertain Significance.

NM_005138.3(SCO2):c.283C>T (p.Arg95Cys)

Genes: NCAPH2 (non-SMC condensin II complex subunit H2; plus strand), SCO2 (synthesis of cytochrome C oxidase 2; minus strand). Cytogenetic location: 22q13.33.
Variant type: single nucleotide variant.
Coding change: c.283C>T on transcript NM_005138.3 (MANE Select); coding-DNA position 283, C replaced by T.
Protein change: p.Arg95Cys; replaces arginine 95 with cysteine.
Molecular consequence: missense variant. On other transcripts: 3 prime UTR variant (2).
Genome position (GRCh38, 1-based): chr22:50,524,129, G>A on the plus strand (C>T on the coding strand, the complement: SCO2 is on the minus strand). VCF-style: chr22-50524129-G-A. GRCh37 (hg19) VCF-style: chr22-50962558-G-A.
Other names: c.*754G>A (NM_001185011.2, NM_152299.4); c.283C>T, p.Arg95Cys (NM_001169109.2, NM_001169110.1, NM_001169111.2); short protein forms R95C.
Identifiers: ClinVar variation 1477832 (VCV001477832.4), dbSNP rs748973032, ClinGen allele CA321053.